The following is an entry in ClinVar:

ClinVar aggregate classification (germline): Likely pathogenic (1 of 4 stars; one submission).

Conditions:
Epidermolysis bullosa dystrophica. Also called: Dystrophic epidermolysis bullosa, Hallopeau-Siemens type (formerly); Dystrophic epidermolysis bullosa. Identifiers: Orphanet 303, MedGen C0079294, MONDO:0006543.

Submission:

Natera, Inc.
Classification: Likely pathogenic for Dystrophic epidermolysis bullosa. Last evaluated: 2024-04-19. Review status: criteria provided, single submitter. Criteria: Natera Variant Classification Schema (03/2026). Collection method: clinical testing. Allele origin: germline.
Comment: The c.3722delA variant in COL7A1 is a frameshift variant predicted to shift the reading frame beginning at codon 1241 and leads to a stop codon 24 codons downstream. This variant is expected to result in nonsense mediated decay, truncation, or a dysfunctional protein product. This variant is rare in the general population with a frequency below the threshold expected for the associated phenotype(s). Given the available evidence, this variant is classified as Likely Pathogenic.

NM_000094.4(COL7A1):c.3722del (p.Gln1241fs)

Gene: COL7A1 (collagen type VII alpha 1 chain; minus strand). Cytogenetic location: 3p21.31.
Variant type: Deletion.
Coding change: c.3722del on transcript NM_000094.4 (MANE Select); coding-DNA position 3722, one base deleted (A; older notation c.3722delA).
Protein change: p.Gln1241fs; shifts the reading frame from glutamine 1241.
Molecular consequence: frameshift variant.
Genome position (GRCh38, 1-based): chr3:48,586,075, T deleted on the plus strand (A on the coding strand, the reverse complement: COL7A1 is on the minus strand). VCF-style (leftmost placement, unchanged base first): chr3-48586074-CT-C. GRCh37 (hg19) VCF-style: chr3-48623507-CT-C.
Other names: short protein forms Q1241fs.
Identifiers: ClinVar variation 4817370 (VCV004817370.1).